The following is an entry in ClinVar:

ClinVar aggregate classification (germline): Pathogenic (0 of 4 stars; one submission).

Conditions:
Microphthalmia with limb anomalies (MLA). Also called: ANOPHTHALMIA-SYNDACTYLY; OPHTHALMOACROMELIC SYNDROME; MICROPHTHALMIA AND LIMB ANOMALIES. Identifiers: Orphanet 1106, MedGen C0599973, MONDO:0008800, OMIM 206920.

Submission:

Laboratory of Medical Genetics, University of Torino
Classification: Pathogenic for Microphthalmia with limb anomalies. Review status: no assertion criteria provided. Collection method: literature only. Allele origin: inherited. Affected: yes.
Comment: Found in homozygosity

Literature cited by the submitters: PubMed 21194680.

NM_001034852.3(SMOC1):c.378+1G>T

Gene: SMOC1 (SPARC related modular calcium binding 1; plus strand). Cytogenetic location: 14q24.2.
Variant type: single nucleotide variant.
Coding change: c.378+1G>T on transcript NM_001034852.3 (MANE Select); the canonical splice donor site of the intron after coding-DNA position 378, G replaced by T.
Molecular consequence: splice donor variant.
Genome position (GRCh38, 1-based): chr14:69,953,533, G>T. VCF-style: chr14-69953533-G-T. GRCh37 (hg19) VCF-style: chr14-70420250-G-T.
Other names: c.378+1G>T (NM_022137.6).
Identifiers: ClinVar variation 562135 (VCV000562135.3), dbSNP rs751356341, ClinGen allele CA390207918.